The following is an entry in ClinVar:

NM_080680.3(COL11A2):c.518G>A (p.Arg173Gln)

Gene: COL11A2 (collagen type XI alpha 2 chain; minus strand). Cytogenetic location: 6p21.32.
Variant type: single nucleotide variant.
Coding change: c.518G>A on transcript NM_080680.3 (MANE Select); coding-DNA position 518, G replaced by A.
Protein change: p.Arg173Gln; replaces arginine 173 with glutamine.
Molecular consequence: missense variant. On other transcripts: 5 prime UTR variant (3), non-coding transcript variant (1).
Genome position (GRCh38, 1-based): chr6:33,188,450, C>T on the plus strand (G>A on the coding strand, the complement: COL11A2 is on the minus strand). VCF-style: chr6-33188450-C-T. GRCh37 (hg19) VCF-style: chr6-33156227-C-T.
Other names: c.518G>A, p.Arg173Gln (NM_001163771.2, NM_001424108.1, NM_080679.3 and 1 more transcripts); c.-329G>A (NM_001424109.1, NM_001424110.1, NM_001424111.1); c.518G>A (NM_080680.2); short protein forms R173Q.
Identifiers: ClinVar variation 2915172 (VCV002915172.2), dbSNP rs1165406140, ClinGen allele CA363611514.

ClinVar aggregate classification (germline): Uncertain significance. Review status: criteria provided, multiple submitters, no conflicts (2 of 4 stars). 2 submissions from 2 submitters: Uncertain significance (2). Last evaluated 2023-11-27.

Allele frequency attached by ClinVar (database versions not stated): gnomAD exomes below 0.00001; TOPMed 0.00001.
gnomAD v4.1: 6 of 1,612,998 alleles (0.00037%); highest among the groups gnomAD compares: Non-Finnish European, 0.00042%; no homozygotes.

Submissions (2):

Labcorp Genetics (formerly Invitae), Labcorp
Classification: Uncertain significance. Last evaluated: 2023-11-27. Review status: criteria provided, single submitter. Criteria: Invitae Variant Classification Sherloc (09022015). Collection method: clinical testing. Allele origin: germline.
Comment: This sequence change replaces arginine, which is basic and polar, with glutamine, which is neutral and polar, at codon 173 of the COL11A2 protein (p.Arg173Gln). This variant is present in population databases (no rsID available, gnomAD 0.0009%). This variant has not been reported in the literature in individuals affected with COL11A2-related conditions. Advanced modeling of protein sequence and biophysical properties (such as structural, functional, and spatial information, amino acid conservation, physicochemical variation, residue mobility, and thermodynamic stability) performed at Invitae indicates that this missense variant is not expected to disrupt COL11A2 protein function with a negative predictive value of 95%. In summary, the available evidence is currently insufficient to determine the role of this variant in disease. Therefore, it has been classified as a Variant of Uncertain Significance.

GeneDx
Classification: Uncertain significance. Last evaluated: 2023-06-06. Review status: criteria provided, single submitter. Criteria: GeneDx Variant Classification Process June 2021. Collection method: clinical testing. Allele origin: germline. Affected: yes.
Comment: Not observed at significant frequency in large population cohorts (gnomAD); In silico analysis supports that this missense variant does not alter protein structure/function; Has not been previously published as pathogenic or benign to our knowledge